The following is an entry in ClinVar:

NM_031844.3(HNRNPU):c.2072A>G (p.Asn691Ser)

Gene: HNRNPU (heterogeneous nuclear ribonucleoprotein U; minus strand). Cytogenetic location: 1q44.
Variant type: single nucleotide variant.
Coding change: c.2072A>G on transcript NM_031844.3 (MANE Select); coding-DNA position 2072, A replaced by G.
Protein change: p.Asn691Ser; replaces asparagine 691 with serine.
Molecular consequence: missense variant.
Genome position (GRCh38, 1-based): chr1:244,855,999, T>C on the plus strand (A>G on the coding strand, the complement: HNRNPU is on the minus strand). VCF-style: chr1-244855999-T-C. GRCh37 (hg19) VCF-style: chr1-245019301-T-C.
Other names: c.2015A>G, p.Asn672Ser (NM_004501.3); short protein forms N672S, N691S.
Identifiers: ClinVar variation 1785408 (VCV001785408.3), dbSNP rs769069918, ClinGen allele CA1486320.
Genomic context (GRCh38, chr1:244,855,999, plus strand): 5'-CCTCCACGTCCTCTATGGCCACCACCTCTGTTAAACTGGTTCTTGCCACTCTTATTTTTA[T>C]TGCTTTTCTTTGAGCCAGTGTTCTGTTTCTTTTCTGGTGGAAGAGCCTTTTTGCTTTCTT-3'
Protein context (NP_114032.2, residues 681-701): KKQNTGSKKS[Asn691Ser]KNKSGKNQFN

ClinVar aggregate classification (germline): Uncertain significance. Review status: criteria provided, multiple submitters, no conflicts (2 of 4 stars). 2 submissions from 2 submitters: Uncertain significance (2). Last evaluated 2025-06-19.

Conditions:
Developmental and epileptic encephalopathy, 54. Also called: HNRNPU-Related Neurodevelopmental Disorder; Epileptic encephalopathy, early infantile, 54. Identifiers: MedGen C4479319, MONDO:0033363, OMIM 617391.
Inborn genetic diseases. Identifiers: MedGen C0950123, MeSH D030342.

Allele frequency attached by ClinVar (database versions not stated): gnomAD exomes below 0.00001; ExAC 0.00001; gnomAD 0.00001; TOPMed 0.00002.
gnomAD v4.1: 6 of 1,614,080 alleles (0.00037%); highest among the groups gnomAD compares: African/African-American, 0.004%; no homozygotes.

Submissions (2):

Labcorp Genetics (formerly Invitae), Labcorp
Classification: Uncertain significance for Developmental and epileptic encephalopathy, 54. Last evaluated: 2025-06-19. Review status: criteria provided, single submitter. Criteria: Invitae Variant Classification Sherloc (09022015). Collection method: clinical testing. Allele origin: germline.
Comment: This sequence change replaces asparagine, which is neutral and polar, with serine, which is neutral and polar, at codon 691 of the HNRNPU protein (p.Asn691Ser). This variant is present in population databases (rs769069918, gnomAD 0.007%). This variant has not been reported in the literature in individuals affected with HNRNPU-related conditions. ClinVar contains an entry for this variant (Variation ID: 1785408). Invitae Evidence Modeling of protein sequence and biophysical properties (such as structural, functional, and spatial information, amino acid conservation, physicochemical variation, residue mobility, and thermodynamic stability) indicates that this missense variant is not expected to disrupt HNRNPU protein function with a negative predictive value of 95%. In summary, the available evidence is currently insufficient to determine the role of this variant in disease. Therefore, it has been classified as a Variant of Uncertain Significance.

Ambry Genetics
Classification: Uncertain significance for Inborn genetic diseases. Last evaluated: 2017-06-30. Review status: criteria provided, single submitter. Criteria: Ambry Variant Classification Scheme 2023. Collection method: clinical testing. Allele origin: germline.
Comment: The p.N691S variant (also known as c.2072A>G), located in coding exon 11 of the HNRNPU gene, results from an A to G substitution at nucleotide position 2072. The asparagine at codon 691 is replaced by serine, an amino acid with highly similar properties. This amino acid position is not well conserved in available vertebrate species. In addition, this alteration is predicted to be tolerated by in silico analysis. Since supporting evidence is limited at this time, the clinical significance of this alteration remains unclear.